The following is an entry in ClinVar:

NM_005876.5(SPEG):c.749C>T (p.Ser250Phe)

Gene: SPEG (striated muscle enriched protein kinase; plus strand). Cytogenetic location: 2q35.
Variant type: single nucleotide variant.
Coding change: c.749C>T on transcript NM_005876.5 (MANE Select); coding-DNA position 749, C replaced by T.
Protein change: p.Ser250Phe; replaces serine 250 with phenylalanine.
Molecular consequence: missense variant.
Genome position (GRCh38, 1-based): chr2:219,445,095, C>T. VCF-style: chr2-219445095-C-T. GRCh37 (hg19) VCF-style: chr2-220309817-C-T.
Other names: c.749C>T (NM_005876.4); short protein forms S250F.
Identifiers: ClinVar variation 1396117 (VCV001396117.6), dbSNP rs372300281, ClinGen allele CA2125559.

ClinVar aggregate classification (germline): Uncertain significance. Review status: criteria provided, multiple submitters, no conflicts (2 of 4 stars). 2 submissions from 2 submitters: Uncertain significance (2). Last evaluated 2025-01-30.

Conditions:
Inborn genetic diseases. Identifiers: MedGen C0950123, MeSH D030342.

Allele frequency attached by ClinVar (database versions not stated): gnomAD exomes 0.00001 and 0.00006; TOPMed 0.00004; gnomAD 0.00005 and 0.00006; ESP Exome Variant Server 0.00008.

Submissions (2):

Ambry Genetics
Classification: Uncertain significance for Inborn genetic diseases. Last evaluated: 2025-01-30. Review status: criteria provided, single submitter. Criteria: Ambry Variant Classification Scheme 2023. Collection method: clinical testing. Allele origin: germline.

Labcorp Genetics (formerly Invitae), Labcorp
Classification: Uncertain significance. Last evaluated: 2022-07-05. Review status: criteria provided, single submitter. Criteria: Invitae Variant Classification Sherloc (09022015). Collection method: clinical testing. Allele origin: germline.
Comment: This sequence change replaces serine, which is neutral and polar, with phenylalanine, which is neutral and non-polar, at codon 250 of the SPEG protein (p.Ser250Phe). This variant is present in population databases (rs372300281, gnomAD 0.005%). This variant has not been reported in the literature in individuals affected with SPEG-related conditions. ClinVar contains an entry for this variant (Variation ID: 1396117). Algorithms developed to predict the effect of missense changes on protein structure and function are either unavailable or do not agree on the potential impact of this missense change (SIFT: "Deleterious"; PolyPhen-2: "Probably Damaging"; Align-GVGD: "Class C15"). In summary, the available evidence is currently insufficient to determine the role of this variant in disease. Therefore, it has been classified as a Variant of Uncertain Significance.